The following is an entry in ClinVar:

NM_000136.3(FANCC):c.839C>T (p.Ser280Leu)

Genes: AOPEP (aminopeptidase O (putative); plus strand), FANCC (FA complementation group C; minus strand). Cytogenetic location: 9q22.32.
Variant type: single nucleotide variant.
Coding change: c.839C>T on transcript NM_000136.3 (MANE Select); coding-DNA position 839, C replaced by T.
Protein change: p.Ser280Leu; replaces serine 280 with leucine.
Molecular consequence: missense variant.
Genome position (GRCh38, 1-based): chr9:95,135,350, G>A on the plus strand (C>T on the coding strand, the complement: FANCC is on the minus strand). VCF-style: chr9-95135350-G-A. GRCh37 (hg19) VCF-style: chr9-97897632-G-A.
Other names: c.839C>T, p.Ser280Leu (NM_001243743.2, NM_001243744.2); short protein forms S280L.
Identifiers: ClinVar variation 418188 (VCV000418188.49), dbSNP rs749230615, ClinGen allele CA5137627.
Genomic context (GRCh38, chr9:95,135,350, plus strand): 5'-ATGATTCCAAGCATCTCCTTCAAGGATTTTTCCCTTCATCAAAACCCAGTACGTACCAGC[G>A]ATGAATCTTTTATAAAGCATTCGATCCTTCTCAGACAATTTCTCTCACTGGAGATTAGCT-3'
Protein context (NP_000127.2, residues 270-290): RRIECFIKDS[Ser280Leu]LPQAACHPAI

ClinVar aggregate classification (germline): Conflicting classifications of pathogenicity. Review status: criteria provided, conflicting classifications (1 of 4 stars). 6 submissions from 6 submitters: Uncertain significance (5); Likely benign (1). Last evaluated 2024-05-08.

Conditions:
FANCC-related disorder. Also called: FANCC-related condition.
Hereditary cancer-predisposing syndrome. Also called: Tumor predisposition; Hereditary neoplastic syndrome; Hereditary Cancer Syndrome; Neoplastic Syndromes, Hereditary. Identifiers: Orphanet 140162, MedGen C0027672, MeSH D009386, MONDO:0015356.
Fanconi anemia (FA). Also called: Fanconi's anemia. Identifiers: Orphanet 84, MedGen C0015625, MeSH D005199, MONDO:0019391.
Fanconi anemia complementation group A (FANCA). Also called: FANCA-Related Fanconi Anemia; Fanconi anemia, group A. Identifiers: Orphanet 84, MedGen C3469521, MONDO:0009215, OMIM 227650.

Allele frequency attached by ClinVar (database versions not stated): gnomAD 0.00001; TOPMed 0.00002; ExAC 0.00003; gnomAD exomes 0.00004 and 0.00005.
gnomAD v4.1: 52 of 1,613,614 alleles (0.0032%); highest among the groups gnomAD compares: East Asian, 0.013%; no homozygotes.

Submissions (6):

GeneDx
Classification: Uncertain significance. Last evaluated: 2024-05-08. Review status: criteria provided, single submitter. Criteria: GeneDx Variant Classification Process June 2021. Collection method: clinical testing. Allele origin: germline. Affected: yes.
Comment: In silico analysis supports that this missense variant does not alter protein structure/function; Observed in an individual with breast cancer (PMID: 35264596); This variant is associated with the following publications: (PMID: Gordon2000[Book], 35264596)

PreventionGenetics, part of Exact Sciences
Classification: Uncertain significance for FANCC-related condition. Last evaluated: 2023-05-09. Review status: criteria provided, single submitter. Criteria: ACMG Guidelines, 2015. Collection method: clinical testing. Allele origin: germline.
Comment: The FANCC c.839C>T variant is predicted to result in the amino acid substitution p.Ser280Leu. To our knowledge, this variant has not been reported in the literature. This variant is reported in 0.043% of alleles in individuals of East Asian descent in gnomAD. In ClinVar, this variant has conflicting interpretations ranging from uncertain to likely benign. At this time, the clinical significance of this variant is uncertain due to the absence of conclusive functional and genetic evidence.

Labcorp Genetics (formerly Invitae), Labcorp
Classification: Uncertain significance for Fanconi anemia. Last evaluated: 2022-08-27. Review status: criteria provided, single submitter. Criteria: Invitae Variant Classification Sherloc (09022015). Collection method: clinical testing. Allele origin: germline.
Comment: This sequence change replaces serine, which is neutral and polar, with leucine, which is neutral and non-polar, at codon 280 of the FANCC protein (p.Ser280Leu). This variant is present in population databases (rs749230615, gnomAD 0.05%). This variant has not been reported in the literature in individuals affected with FANCC-related conditions. ClinVar contains an entry for this variant (Variation ID: 418188). Algorithms developed to predict the effect of missense changes on protein structure and function output the following: SIFT: "Tolerated"; PolyPhen-2: "Benign"; Align-GVGD: "Class C0". The leucine amino acid residue is found in multiple mammalian species, which suggests that this missense change does not adversely affect protein function. In summary, the available evidence is currently insufficient to determine the role of this variant in disease. Therefore, it has been classified as a Variant of Uncertain Significance.

CeGaT Center for Human Genetics Tuebingen
Classification: Uncertain significance. Last evaluated: 2021-02-01. Review status: criteria provided, single submitter. Criteria: CeGaT Center For Human Genetics Tuebingen Variant Classification Criteria Version 2. Collection method: clinical testing. Allele origin: germline. Affected: yes. Observed: 1 variant allele.

Mendelics
Classification: Uncertain significance for Fanconi anemia complementation group A. Last evaluated: 2019-05-28. Review status: criteria provided, single submitter. Criteria: Mendelics Assertion Criteria 2017. Collection method: clinical testing. Allele origin: unknown.

Ambry Genetics
Classification: Likely benign for Hereditary cancer-predisposing syndrome. Last evaluated: 2019-01-30. Review status: criteria provided, single submitter. Criteria: Ambry Variant Classification Scheme 2023. Collection method: clinical testing. Allele origin: germline.